The following is an entry in ClinVar:

NM_001369.3(DNAH5):c.6791G>A (p.Ser2264Asn)

Gene: DNAH5 (dynein axonemal heavy chain 5; minus strand). Cytogenetic location: 5p15.2.
Variant type: single nucleotide variant.
Coding change: c.6791G>A on transcript NM_001369.3 (MANE Select); coding-DNA position 6791, G replaced by A.
Protein change: p.Ser2264Asn; replaces serine 2264 with asparagine.
Molecular consequence: missense variant.
Genome position (GRCh38, 1-based): chr5:13,820,396, C>T on the plus strand (G>A on the coding strand, the complement: DNAH5 is on the minus strand). VCF-style: chr5-13820396-C-T. GRCh37 (hg19) VCF-style: chr5-13820505-C-T.
Other names: short protein forms S2264N.
Identifiers: ClinVar variation 351068 (VCV000351068.15), dbSNP rs78484669, ClinGen allele CA3203278.

ClinVar aggregate classification (germline): Pathogenic (1 of 4 stars; one submission).

Conditions:
Primary ciliary dyskinesia. Also called: Ciliary dyskinesia. Identifiers: Orphanet 244, MedGen C0008780, MONDO:0016575, HP:0012265.

Allele frequency attached by ClinVar (database versions not stated): gnomAD 0.00002; ESP Exome Variant Server 0.00008; ExAC 0.00001; gnomAD exomes 0.00001; TOPMed 0.00001.
gnomAD v4.1: 30 of 1,611,948 alleles (0.0019%); highest among the groups gnomAD compares: Non-Finnish European, 0.0025%; no homozygotes.

Submission:

Labcorp Genetics (formerly Invitae), Labcorp
Classification: Pathogenic for Primary ciliary dyskinesia. Last evaluated: 2023-09-08. Review status: criteria provided, single submitter. Criteria: Invitae Variant Classification Sherloc (09022015). Collection method: clinical testing. Allele origin: germline.
Comment: This sequence change replaces serine, which is neutral and polar, with asparagine, which is neutral and polar, at codon 2264 of the DNAH5 protein (p.Ser2264Asn). For these reasons, this variant has been classified as Pathogenic. Advanced modeling of protein sequence and biophysical properties (such as structural, functional, and spatial information, amino acid conservation, physicochemical variation, residue mobility, and thermodynamic stability) performed at Invitae indicates that this missense variant is not expected to disrupt DNAH5 protein function. ClinVar contains an entry for this variant (Variation ID: 351068). This missense change has been observed in individual(s) with primary ciliary dyskinesia (PMID: 16627867, 31879361; Invitae). In at least one individual the data is consistent with being in trans (on the opposite chromosome) from a pathogenic variant. It has also been observed to segregate with disease in related individuals. This variant is present in population databases (rs78484669, gnomAD 0.002%).

Literature cited by the submitters: PubMed 16627867; PubMed 31879361.